The following is an entry in ClinVar:

NC_000009.11:g.(?_94485944)_(95527026_?)del

Genes: ASPN (asporin; minus strand), BICD2 (BICD cargo adaptor 2; minus strand), CENPP (centromere protein P; plus strand), ECM2 (extracellular matrix protein 2; minus strand), IARS1 (isoleucyl-tRNA synthetase 1; minus strand) and 7 more. Cytogenetic location: 9q22.31.
Variant type: Deletion.
Identifiers: ClinVar variation 2425154 (VCV002425154.3).

ClinVar aggregate classification (germline): Pathogenic (1 of 4 stars; one submission).

Submission:

Labcorp Genetics (formerly Invitae), Labcorp
Classification: Pathogenic. Last evaluated: 2021-12-07. Review status: criteria provided, single submitter. Criteria: Invitae Variant Classification Sherloc (09022015). Collection method: clinical testing. Allele origin: germline.
Comment: For these reasons, this variant has been classified as Pathogenic. This variant has not been reported in the literature in individuals affected with ROR2-related conditions. A gross deletion of the genomic region encompassing the full coding sequence of the ROR2 gene has been identified. Loss-of-function variants in ROR2 are known to be pathogenic (PMID: 10932186). The boundaries of this event are unknown as they extend beyond the assayed region for this gene and therefore may encompass additional genes.

Literature cited by the submitters: PubMed 10932186.